The following is an entry in ClinVar:

ClinVar aggregate classification (germline): Uncertain significance. Review status: criteria provided, multiple submitters, no conflicts (2 of 4 stars). 2 submissions from 2 submitters: Uncertain significance (2). Last evaluated 2025-04-09.

Conditions:
Cardiovascular phenotype. Identifiers: MedGen CN230736.

Submissions (2):

Molecular Diagnostic Laboratory for Inherited Cardiovascular Disease, Montreal Heart Institute
Classification: Uncertain significance for Cardiovascular phenotype. Last evaluated: 2025-04-09. Review status: criteria provided, single submitter. Criteria: ACMG Guidelines, 2015. Collection method: clinical testing. Allele origin: germline. Affected: yes.

Labcorp Genetics (formerly Invitae), Labcorp
Classification: Uncertain significance. Last evaluated: 2023-05-09. Review status: criteria provided, single submitter. Criteria: Invitae Variant Classification Sherloc (09022015). Collection method: clinical testing. Allele origin: germline.
Comment: This variant has not been reported in the literature in individuals affected with ALPK3-related conditions. This variant is not present in population databases (gnomAD no frequency). This sequence change replaces alanine, which is neutral and non-polar, with glycine, which is neutral and non-polar, at codon 1377 of the ALPK3 protein (p.Ala1377Gly). Algorithms developed to predict the effect of missense changes on protein structure and function output the following: SIFT: "Not Available"; PolyPhen-2: "Benign"; Align-GVGD: "Not Available". The glycine amino acid residue is found in multiple mammalian species, which suggests that this missense change does not adversely affect protein function. In summary, the available evidence is currently insufficient to determine the role of this variant in disease. Therefore, it has been classified as a Variant of Uncertain Significance.

NM_020778.5(ALPK3):c.3524C>G (p.Ala1175Gly)

Gene: ALPK3 (alpha kinase 3; plus strand). Cytogenetic location: 15q25.3.
Variant type: single nucleotide variant.
Coding change: c.3524C>G on transcript NM_020778.5 (MANE Select); coding-DNA position 3524, C replaced by G.
Protein change: p.Ala1175Gly; replaces alanine 1175 with glycine.
Molecular consequence: missense variant.
Genome position (GRCh38, 1-based): chr15:84,858,262, C>G. VCF-style: chr15-84858262-C-G. GRCh37 (hg19) VCF-style: chr15-85401493-C-G.
Other names: c.4130C>G (NM_020778.4); short protein forms A1175G.
Identifiers: ClinVar variation 3008095 (VCV003008095.4), dbSNP rs2505722198, ClinGen allele CA393360436.
Genomic context (GRCh38, chr15:84,858,262, plus strand): 5'-CACCTGAGGAACTGGCTCTAGGGGCCCGGAGGAAGAGATTTCTCCCTAAGGTCAGAGCAG[C>G]AGGAGACGGGGAGGCAACCACACCTGAAGAAAGGGAGAGCCCCACGGTTTCCCCCCGGGG-3'
Protein context (NP_065829.4, residues 1165-1185): RKRFLPKVRA[Ala1175Gly]GDGEATTPEE